The following is an entry in ClinVar:

NM_006885.4(ZFHX3):c.8320C>G (p.Pro2774Ala)

Genes: ZFHX3-AS1 (ZFHX3 antisense RNA 1; plus strand), ZFHX3 (zinc finger homeobox 3; minus strand). Cytogenetic location: 16q22.2.
Variant type: single nucleotide variant.
Coding change: c.8320C>G on transcript NM_006885.4 (MANE Select); coding-DNA position 8320, C replaced by G.
Protein change: p.Pro2774Ala; replaces proline 2774 with alanine.
Molecular consequence: missense variant.
Genome position (GRCh38, 1-based): chr16:72,794,362, G>C on the plus strand (C>G on the coding strand, the complement: ZFHX3 is on the minus strand). VCF-style: chr16-72794362-G-C. GRCh37 (hg19) VCF-style: chr16-72828261-G-C.
Other names: c.5578C>G, p.Pro1860Ala (NM_001164766.2); c.8320C>G, p.Pro2774Ala (NM_001386735.1); short protein forms P1860A, P2774A.
Identifiers: ClinVar variation 3776500 (VCV003776500.1).

ClinVar aggregate classification (germline): Uncertain significance (1 of 4 stars; one submission).

Submission:

GeneDx
Classification: Uncertain significance. Last evaluated: 2024-10-01. Review status: criteria provided, single submitter. Criteria: GeneDx Variant Classification Process June 2021. Collection method: clinical testing. Allele origin: germline. Affected: yes.
Comment: Not observed at significant frequency in large population cohorts (gnomAD); In silico analysis supports that this missense variant has a deleterious effect on protein structure/function; Has not been previously published as pathogenic or benign to our knowledge